The following is an entry in ClinVar:

NM_004444.5(EPHB4):c.551G>A (p.Cys184Tyr)

Gene: EPHB4 (EPH receptor B4; minus strand). Cytogenetic location: 7q22.1.
Variant type: single nucleotide variant.
Coding change: c.551G>A on transcript NM_004444.5 (MANE Select); coding-DNA position 551, G replaced by A.
Protein change: p.Cys184Tyr; replaces cysteine 184 with tyrosine.
Molecular consequence: missense variant.
Genome position (GRCh38, 1-based): chr7:100,822,528, C>T on the plus strand (G>A on the coding strand, the complement: EPHB4 is on the minus strand). VCF-style: chr7-100822528-C-T. GRCh37 (hg19) VCF-style: chr7-100420150-C-T.
Other names: short protein forms C184Y.
Identifiers: ClinVar variation 1485632 (VCV001485632.8), dbSNP rs2116458334, ClinGen allele CA368581422.

ClinVar aggregate classification (germline): Uncertain significance (1 of 4 stars; one submission).

Submission:

Labcorp Genetics (formerly Invitae), Labcorp
Classification: Uncertain significance. Last evaluated: 2021-07-31. Review status: criteria provided, single submitter. Criteria: Invitae Variant Classification Sherloc (09022015). Collection method: clinical testing. Allele origin: germline.
Comment: Algorithms developed to predict the effect of missense changes on protein structure and function (SIFT, PolyPhen-2, Align-GVGD) all suggest that this variant is likely to be disruptive. In summary, the available evidence is currently insufficient to determine the role of this variant in disease. Therefore, it has been classified as a Variant of Uncertain Significance. This variant has been observed in at least one individual who was not affected with EPHB4-related conditions (Invitae). This variant has not been reported in the literature in individuals affected with EPHB4-related conditions. This variant is not present in population databases (ExAC no frequency). This sequence change replaces cysteine with tyrosine at codon 184 of the EPHB4 protein (p.Cys184Tyr). The cysteine residue is highly conserved and there is a large physicochemical difference between cysteine and tyrosine.